The following is an entry in ClinVar:

NM_000350.3(ABCA4):c.418C>G (p.Arg140Gly)

Gene: ABCA4 (ATP binding cassette subfamily A member 4; minus strand). Cytogenetic location: 1p22.1.
Variant type: single nucleotide variant.
Coding change: c.418C>G on transcript NM_000350.3 (MANE Select); coding-DNA position 418, C replaced by G.
Protein change: p.Arg140Gly; replaces arginine 140 with glycine.
Molecular consequence: missense variant.
Genome position (GRCh38, 1-based): chr1:94,108,601, G>C on the plus strand (C>G on the coding strand, the complement: ABCA4 is on the minus strand). VCF-style: chr1-94108601-G-C. GRCh37 (hg19) VCF-style: chr1-94574157-G-C.
Other names: c.418C>G, p.Arg140Gly (NM_001425324.1); short protein forms R140G.
Identifiers: ClinVar variation 4852465 (VCV004852465.1).

ClinVar aggregate classification (germline): Likely benign (1 of 4 stars; one submission).

Conditions:
Cone-rod dystrophy 3 (CORD3). Identifiers: Orphanet 1872, MedGen C1858806, MONDO:0011395, OMIM 604116.

Submission:

Centre for Medical Genetics,  Mumbai
Classification: Likely benign for Cone-rod dystrophy 3. Last evaluated: 2026-05-13. Review status: criteria provided, single submitter. Criteria: ACMG Guidelines, 2015. Collection method: provider interpretation. Allele origin: germline. Inheritance: Autosomal recessive inheritance. Affected: no. Observed: 1 variant allele, 1 homozygote.
Comment: The variant satisfies PM2 criteria - extremely low frequency in gnomAD population databases. The variant satisfies PP2 criteria - missense variant in a gene with low rate of benign missense mutations and for which missense mutation is a common mechanism of a disease. The variant satisfies PM5 criteria - different amino acid change as a known pathogenic variant, deletions/insertions in a non-repeat region or a stop-loss variant. However, the variant satisfies BS2 criteria - present in homozygous state in an individual that clinically does not have Retinal dystrophy, early-onset severe.

Literature cited by the submitters: PubMed 9054934.